The following is an entry in ClinVar:

ClinVar aggregate classification (germline): Uncertain significance. Review status: criteria provided, multiple submitters, no conflicts (2 of 4 stars). 3 submissions from 3 submitters: Uncertain significance (3). Last evaluated 2025-10-01.

Conditions:
Cardiovascular phenotype. Identifiers: MedGen CN230736.
Primary dilated cardiomyopathy (DCM). Also called: Dilated Cardiomyopathy. Identifiers: Orphanet 217604, MedGen C0007193, MeSH D002311, MONDO:0005021, HP:0001644. Inheritance: Various modes of inheritance.

Allele frequency attached by ClinVar (database versions not stated): ExAC 0.00005; gnomAD exomes 0.00005 and 0.00008; gnomAD 0.00011 and 0.00012; TOPMed 0.00012; ESP Exome Variant Server 0.00016.
gnomAD v4.1: 125 of 1,613,982 alleles (0.0077%); highest among the groups gnomAD compares: Non-Finnish European, 0.01%; no homozygotes.

Submissions (3):

Labcorp Genetics (formerly Invitae), Labcorp
Classification: Uncertain significance for Primary dilated cardiomyopathy. Last evaluated: 2025-10-01. Review status: criteria provided, single submitter. Criteria: Invitae Variant Classification Sherloc (09022015). Collection method: clinical testing. Allele origin: germline.
Comment: This sequence change replaces serine, which is neutral and polar, with asparagine, which is neutral and polar, at codon 208 of the TXNRD2 protein (p.Ser208Asn). This variant is present in population databases (rs201531690, gnomAD 0.01%). This variant has not been reported in the literature in individuals affected with TXNRD2-related conditions. ClinVar contains an entry for this variant (Variation ID: 949366). Invitae Evidence Modeling of protein sequence and biophysical properties (such as structural, functional, and spatial information, amino acid conservation, physicochemical variation, residue mobility, and thermodynamic stability) indicates that this missense variant is not expected to disrupt TXNRD2 protein function with a negative predictive value of 80%. In summary, the available evidence is currently insufficient to determine the role of this variant in disease. Therefore, it has been classified as a Variant of Uncertain Significance.

Ambry Genetics
Classification: Uncertain significance for Cardiovascular phenotype. Last evaluated: 2025-03-23. Review status: criteria provided, single submitter. Criteria: Ambry Variant Classification Scheme 2023. Collection method: clinical testing. Allele origin: germline.
Comment: The p.S208N variant (also known as c.623G>A), located in coding exon 8 of the TXNRD2 gene, results from a G to A substitution at nucleotide position 623. The serine at codon 208 is replaced by asparagine, an amino acid with highly similar properties. This amino acid position is highly conserved in available vertebrate species. In addition, this alteration is predicted to be tolerated by in silico analysis. Since supporting evidence is limited at this time, the clinical significance of this alteration remains unclear.

GeneDx
Classification: Uncertain significance. Last evaluated: 2023-09-07. Review status: criteria provided, single submitter. Criteria: GeneDx Variant Classification Process June 2021. Collection method: clinical testing. Allele origin: germline. Affected: yes.
Comment: Has not been previously published as pathogenic or benign to our knowledge; In silico analysis supports that this missense variant has a deleterious effect on protein structure/function

NM_006440.5(TXNRD2):c.623G>A (p.Ser208Asn)

Gene: TXNRD2 (thioredoxin reductase 2; minus strand). Cytogenetic location: 22q11.21.
Variant type: single nucleotide variant.
Coding change: c.623G>A on transcript NM_006440.5 (MANE Select); coding-DNA position 623, G replaced by A.
Protein change: p.Ser208Asn; replaces serine 208 with asparagine.
Molecular consequence: missense variant. On other transcripts: non-coding transcript variant (1).
Genome position (GRCh38, 1-based): chr22:19,911,416, C>T on the plus strand (G>A on the coding strand, the complement: TXNRD2 is on the minus strand). VCF-style: chr22-19911416-C-T. GRCh37 (hg19) VCF-style: chr22-19898939-C-T.
Other names: c.623G>A, p.Ser208Asn (NM_001282512.3); c.620G>A, p.Ser207Asn (NM_001352300.2); c.533G>A, p.Ser178Asn (NM_001352301.2); c.335G>A, p.Ser112Asn (NM_001352302.2); c.527G>A, p.Ser176Asn (NM_001352303.2); short protein forms S112N, S176N, S208N, S178N, S207N.
Identifiers: ClinVar variation 949366 (VCV000949366.18), dbSNP rs201531690, ClinGen allele CA10104084.